The following is an entry in ClinVar:

ClinVar aggregate classification (germline): Likely benign (1 of 4 stars; one submission).

gnomAD v4.1: 40 of 1,609,228 alleles (0.0025%); highest among the groups gnomAD compares: South Asian, 0.029%; 1 homozygote.

Submission:

CeGaT Center for Human Genetics Tuebingen
Classification: Likely benign. Last evaluated: 2026-01-01. Review status: criteria provided, single submitter. Criteria: CeGaT Center For Human Genetics Tuebingen Variant Classification Criteria Version 2. Collection method: clinical testing. Allele origin: germline. Affected: yes. Observed: 1 variant allele.
Comment: CHD3: BP4, BP7

NM_001005273.3(CHD3):c.*62G>A

Gene: CHD3 (chromodomain helicase DNA binding protein 3; plus strand). Cytogenetic location: 17p13.1.
Variant type: single nucleotide variant.
Coding change: c.*62G>A on transcript NM_001005273.3 (MANE Select); 62 bases downstream of the stop codon, G replaced by A.
Molecular consequence: 3 prime UTR variant. On other transcripts: synonymous variant (1).
Genome position (GRCh38, 1-based): chr17:7,911,647, G>A. VCF-style: chr17-7911647-G-A. GRCh37 (hg19) VCF-style: chr17-7814965-G-A.
Other names: c.*62G>A (NM_001005271.3, NM_001437507.1, NM_001437508.1 and 2 more transcripts); c.6288G>A, p.Ala2096= (NM_001437504.1).
Identifiers: ClinVar variation 4822070 (VCV004822070.4).
Genomic context (GRCh38, chr17:7,911,647, plus strand): 5'-TGGATCCCAGGCCTGCCCTTCACCCAGGCCCCGTCCCCGAGGCCGACCCCCAGCTCAAGC[G>A]CTGGGGCCTGCTGCCAGCCCTCCACCTTCCCCACCCCTTGGGCCATCACTGGGCTAGGAA-3'